The following is an entry in ClinVar:

ClinVar aggregate classification (germline): Pathogenic (1 of 4 stars; one submission).

Conditions:
Frontotemporal dementia and/or amyotrophic lateral sclerosis 4. Also called: FTDALS4. Identifiers: Orphanet 275872, MedGen C4225325, MONDO:0014641, OMIM 616439.

Submission:

Labcorp Genetics (formerly Invitae), Labcorp
Classification: Pathogenic for Frontotemporal dementia and/or amyotrophic lateral sclerosis 4. Last evaluated: 2024-07-06. Review status: criteria provided, single submitter. Criteria: Invitae Variant Classification Sherloc (09022015). Collection method: clinical testing. Allele origin: germline.
Comment: This sequence change creates a premature translational stop signal (p.Tyr591Leufs*13) in the TBK1 gene. It is expected to result in an absent or disrupted protein product. Loss-of-function variants in TBK1 are known to be pathogenic (PMID: 25803835, 26476236, 26581300). This variant is not present in population databases (gnomAD no frequency). This variant has not been reported in the literature in individuals affected with TBK1-related conditions. ClinVar contains an entry for this variant (Variation ID: 1455548). For these reasons, this variant has been classified as Pathogenic.

Literature cited by the submitters: PubMed 25803835; PubMed 26476236; PubMed 26581300.

NM_013254.4(TBK1):c.1770_1771del (p.Tyr591fs)

Gene: TBK1 (TANK binding kinase 1; plus strand). Cytogenetic location: 12q14.2.
Variant type: Deletion.
Coding change: c.1770_1771del on transcript NM_013254.4 (MANE Select); coding-DNA positions 1770 to 1771, 2 bases deleted (GT; older notation c.1770_1771delGT).
Protein change: p.Tyr591fs; shifts the reading frame from tyrosine 591.
Molecular consequence: frameshift variant.
Genome position (GRCh38, 1-based): chr12:64,496,958-64,496,959, GT deleted; deleting any 2 consecutive bases within chr12:64,496,957-64,496,959 gives the same sequence; the c. name uses the placement nearest the transcript's 3' end. VCF-style (leftmost placement, unchanged base first): chr12-64496956-CTG-C. GRCh37 (hg19) VCF-style: chr12-64890736-CTG-C.
Other names: short protein forms Y591fs.
Identifiers: ClinVar variation 1455548 (VCV001455548.6), dbSNP rs2040932099, ClinGen allele CA2042173587.